The following is an entry in ClinVar:

NM_001041.4(SI):c.2109T>G (p.Phe703Leu)

Gene: SI (sucrase-isomaltase; minus strand). Cytogenetic location: 3q26.1.
Variant type: single nucleotide variant.
Coding change: c.2109T>G on transcript NM_001041.4 (MANE Select); coding-DNA position 2109, T replaced by G.
Protein change: p.Phe703Leu; replaces phenylalanine 703 with leucine.
Molecular consequence: missense variant.
Genome position (GRCh38, 1-based): chr3:165,040,990, A>C on the plus strand (T>G on the coding strand, the complement: SI is on the minus strand). VCF-style: chr3-165040990-A-C. GRCh37 (hg19) VCF-style: chr3-164758778-A-C.
Other names: short protein forms F703L.
Identifiers: ClinVar variation 4988742 (VCV004988742.1).
Genomic context (GRCh38, chr3:165,040,990, plus strand): 5'-TAGTACTCACTCATGAAGAACTGGTCTTGCTACTGTTTCTCCAAACACATGGGCTTTATA[A>C]AACAGAGTGTAGAGGAAGGGTAATAAGGTGTAGCGAATAGTTAAATACTGCCTTGATGAT-3'
Protein context (NP_001032.2, residues 693-713): YTLLPFLYTL[Phe703Leu]YKAHVFGETV

ClinVar aggregate classification (germline): Uncertain significance (1 of 4 stars; one submission).

Conditions:
SI-related disorder. Also called: SI-related condition.

gnomAD v4.1: 11 of 1,612,646 alleles (0.00068%); highest among the groups gnomAD compares: Non-Finnish European, 0.00093%; no homozygotes.

Submission:

PreventionGenetics, part of Exact Sciences
Classification: Uncertain significance for SI-related condition. Last evaluated: 2026-06-08. Review status: criteria provided, single submitter. Criteria: ACMG Guidelines, 2015. Collection method: clinical testing. Allele origin: germline.
Comment: The SI c.2109T>G variant is predicted to result in the amino acid substitution p.Phe703Leu. To our knowledge, this variant has not been reported in the literature. This variant is reported in 0.00088% of alleles in individuals of European (Non-Finnish) descent in gnomAD. At this time, the clinical significance of this variant is uncertain due to the absence of conclusive functional and genetic evidence.